The following is an entry in ClinVar:

NM_017514.5(PLXNA3):c.2761G>A (p.Asp921Asn)

Gene: PLXNA3 (plexin A3; plus strand). Cytogenetic location: Xq28.
Variant type: single nucleotide variant.
Coding change: c.2761G>A on transcript NM_017514.5 (MANE Select); coding-DNA position 2761, G replaced by A.
Protein change: p.Asp921Asn; replaces aspartic acid 921 with asparagine.
Molecular consequence: missense variant.
Genome position (GRCh38, 1-based): chrX:154,466,232, G>A. VCF-style: chrX-154466232-G-A. GRCh37 (hg19) VCF-style: chrX-153694575-G-A.
Other names: c.2761G>A (NM_017514.3); short protein forms D921N.
Identifiers: ClinVar variation 2631982 (VCV002631982.4), dbSNP rs782543136, ClinGen allele CA10564469.

ClinVar aggregate classification (germline): Uncertain significance. Review status: criteria provided, multiple submitters, no conflicts (2 of 4 stars). 2 submissions from 2 submitters: Uncertain significance (2). Last evaluated 2025-07-16.

Conditions:
PLXNA3-related disorder. Also called: PLXNA3-related condition.

Allele frequency attached by ClinVar (database versions not stated): gnomAD exomes 0.00002; ExAC 0.00003; gnomAD 0.00003; TOPMed 0.00003.
gnomAD v4.1: 20 of 1,208,110 alleles (0.0017%); highest among the groups gnomAD compares: South Asian, 0.007%; no homozygotes.

Submissions (2):

PreventionGenetics, part of Exact Sciences
Classification: Uncertain significance for PLXNA3-related condition. Last evaluated: 2025-07-16. Review status: criteria provided, single submitter. Criteria: ACMG Guidelines, 2015. Collection method: clinical testing. Allele origin: germline.
Comment: The PLXNA3 c.2761G>A variant is predicted to result in the amino acid substitution p.Asp921Asn. To our knowledge, this variant has not been reported in the literature. This variant is reported in 0.010% of alleles in individuals of South Asian descent in gnomAD, including 2 hemizygotes. Although we suspect this variant may be benign, at this time the clinical significance is uncertain due to the absence of conclusive functional and genetic evidence.

Ambry Genetics
Classification: Uncertain significance. Last evaluated: 2024-05-01. Review status: criteria provided, single submitter. Criteria: Ambry Variant Classification Scheme 2023. Collection method: clinical testing. Allele origin: germline.